The following is an entry in ClinVar:

ClinVar aggregate classification (germline): Uncertain significance (1 of 4 stars; one submission).

Conditions:
Autosomal recessive limb-girdle muscular dystrophy type 2A (LGMDR1). Also called: Calpainopathy; LEYDEN-MOEBIUS MUSCULAR DYSTROPHY; MUSCULAR DYSTROPHY, PELVOFEMORAL; Muscular dystrophy, limb-girdle, type 2A, Amish; Limb-girdle muscular dystrophy, type 2A. Identifiers: Orphanet 267, MedGen C1869123, MONDO:0009675, OMIM 253600. Disease mechanism: loss of function.

Submission:

Broad Center for Mendelian Genomics, Broad Institute of MIT and Harvard
Classification: Uncertain significance for Autosomal recessive limb-girdle muscular dystrophy type 2A. Last evaluated: 2018-12-03. Review status: criteria provided, single submitter. Criteria: ACMG Guidelines, 2015. Collection method: research. Allele origin: germline. Inheritance: Autosomal recessive inheritance. Affected: yes.
Comment: The homozygous p.Ile162Phe variant in CAPN3 was identified by our study in two unrelated individuals with limb-girdle muscular dystrophy (LGMD). This variant was absent from large population studies. Computational prediction tools and conservation analyses suggest that this variant may impact the protein, though this information is not predictive enough to determine pathogenicity. in summary, the clinical significance of the p.Ile162Phe variant is uncertain. ACMG/AMP Criteria applied: PM2, PP3 (Richards 2015).

NM_000070.3(CAPN3):c.484A>T (p.Ile162Phe)

Genes: CAPN3 (calpain 3; plus strand), LOC126862115 (BRD4-independent group 4 enhancer GRCh37_chr15:42677734-42678933; plus strand). Cytogenetic location: 15q15.1.
Variant type: single nucleotide variant.
Coding change: c.484A>T on transcript NM_000070.3 (MANE Select); coding-DNA position 484, A replaced by T.
Protein change: p.Ile162Phe; replaces isoleucine 162 with phenylalanine.
Molecular consequence: missense variant.
Genome position (GRCh38, 1-based): chr15:42,386,271, A>T. VCF-style: chr15-42386271-A-T. GRCh37 (hg19) VCF-style: chr15-42678469-A-T.
Other names: c.484A>T, p.Ile162Phe (NM_024344.2, NM_173087.2); short protein forms I162F.
Identifiers: ClinVar variation 813971 (VCV000813971.1), dbSNP rs1595819812, ClinGen allele CA391997689.